The following is an entry in ClinVar:

ClinVar aggregate classification (germline): Likely pathogenic (1 of 4 stars; one submission).

Conditions:
Pigmented paravenous retinochoroidal atrophy. Identifiers: Orphanet 251295, MedGen C1868310, MONDO:0008246, OMIM 172870.

Submission:

Centre for Mendelian Genomics, University Medical Centre Ljubljana
Classification: Likely pathogenic for Pigmented paravenous retinochoroidal atrophy. Last evaluated: 2019-04-28. Review status: criteria provided, single submitter. Criteria: ACMG Guidelines, 2015. Collection method: clinical testing. Allele origin: unknown. Affected: yes.
Comment: This variant was classified as: Likely pathogenic. The following ACMG criteria were applied in classifying this variant: PVS1,PM2.

NM_201253.3(CRB1):c.2708_2709del (p.His903fs)

Gene: CRB1 (crumbs cell polarity complex component 1; plus strand). Cytogenetic location: 1q31.3.
Variant type: Deletion.
Coding change: c.2708_2709del on transcript NM_201253.3 (MANE Select); coding-DNA positions 2708 to 2709, 2 bases deleted (AT; older notation c.2708_2709delAT).
Protein change: p.His903fs; shifts the reading frame from histidine 903.
Molecular consequence: frameshift variant. On other transcripts: non-coding transcript variant (2), intron variant (1).
Genome position (GRCh38, 1-based): chr1:197,429,480-197,429,481, AT deleted. VCF-style (leftmost placement, unchanged base first): chr1-197429479-CAT-C. GRCh37 (hg19) VCF-style: chr1-197398609-CAT-C.
Other names: c.2372_2373del, p.His791fs (NM_001193640.2); c.2636_2637del, p.His879fs (NM_001257965.2); c.2129-6120_2129-6119del (NM_001257966.2); short protein forms H903fs, H791fs, H879fs.
Identifiers: ClinVar variation 931559 (VCV000931559.3), dbSNP rs1664767982, ClinGen allele CA1139656478.